The following is an entry in ClinVar:

ClinVar aggregate classification (germline): Uncertain significance (1 of 4 stars; one submission).

Submission:

GeneDx
Classification: Uncertain significance. Last evaluated: 2025-06-10. Review status: criteria provided, single submitter. Criteria: GeneDx Variant Classification Process June 2021. Collection method: clinical testing. Allele origin: germline. Affected: yes.
Comment: Not observed at significant frequency in large population cohorts (gnomAD); In silico analysis suggests that this missense variant does not alter protein structure/function; Has not been previously published as pathogenic or benign to our knowledge

NM_006939.4(SOS2):c.3658C>T (p.Pro1220Ser)

Gene: SOS2 (SOS Ras/Rho guanine nucleotide exchange factor 2; minus strand). Cytogenetic location: 14q21.3.
Variant type: single nucleotide variant.
Coding change: c.3658C>T on transcript NM_006939.4 (MANE Select); coding-DNA position 3658, C replaced by T.
Protein change: p.Pro1220Ser; replaces proline 1220 with serine.
Molecular consequence: missense variant.
Genome position (GRCh38, 1-based): chr14:50,118,685, G>A on the plus strand (C>T on the coding strand, the complement: SOS2 is on the minus strand). VCF-style: chr14-50118685-G-A. GRCh37 (hg19) VCF-style: chr14-50585403-G-A.
Other names: c.3559C>T, p.Pro1187Ser (NM_001411020.1); short protein forms P1187S, P1220S.
Identifiers: ClinVar variation 4537945 (VCV004537945.1).
Genomic context (GRCh38, chr14:50,118,685, plus strand): 5'-CCAGTGGAGGTGGCTGAAGATTAAATGGACAGTTTATAAAGTGTTCTGGAGGCCGAAGGG[G>A]AACTGGTGGAGGGGTATCAGGAAGAGGATCTCTTGGTGGTGGCGGAGGTGGACTATGCAG-3'
Protein context (NP_008870.2, residues 1210-1230): DPLPDTPPPV[Pro1220Ser]LRPPEHFINC